The following is an entry in ClinVar:

ClinVar aggregate classification (germline): Likely pathogenic (1 of 4 stars; one submission).

Submission:

Labcorp Genetics (formerly Invitae), Labcorp
Classification: Likely pathogenic. Last evaluated: 2024-06-07. Review status: criteria provided, single submitter. Criteria: Invitae Variant Classification Sherloc (09022015). Collection method: clinical testing. Allele origin: germline.
Comment: This sequence change affects an acceptor splice site in intron 11 of the LAMB1 gene. It is expected to disrupt RNA splicing. Variants that disrupt the donor or acceptor splice site typically lead to a loss of protein function (PMID: 16199547), and loss-of-function variants in LAMB1 are known to be pathogenic (PMID: 23472759, 25925986). This variant is not present in population databases (gnomAD no frequency). This variant has not been reported in the literature in individuals affected with LAMB1-related conditions. Algorithms developed to predict the effect of sequence changes on RNA splicing suggest that this variant may disrupt the consensus splice site. In summary, the currently available evidence indicates that the variant is pathogenic, but additional data are needed to prove that conclusively. Therefore, this variant has been classified as Likely Pathogenic.

Literature cited by the submitters: PubMed 16199547; PubMed 23472759; PubMed 25925986.

NM_002291.3(LAMB1):c.1370-1G>C

Gene: LAMB1 (laminin subunit beta 1; minus strand). Cytogenetic location: 7q31.1.
Variant type: single nucleotide variant.
Coding change: c.1370-1G>C on transcript NM_002291.3 (MANE Select); the canonical splice acceptor site of the intron before coding-DNA position 1370, G replaced by C.
Molecular consequence: splice acceptor variant.
Genome position (GRCh38, 1-based): chr7:107,975,099, C>G on the plus strand (G>C on the coding strand, the complement: LAMB1 is on the minus strand). VCF-style: chr7-107975099-C-G. GRCh37 (hg19) VCF-style: chr7-107615544-C-G.
Identifiers: ClinVar variation 3627812 (VCV003627812.2).